The following is an entry in ClinVar:

NM_000059.4(BRCA2):c.8622dup (p.Glu2875fs)

Gene: BRCA2 (BRCA2 DNA repair associated; plus strand). Cytogenetic location: 13q13.1.
Variant type: Duplication.
Coding change: c.8622dup on transcript NM_000059.4 (MANE Select); coding-DNA position 8622, one base duplicated (A; older notation c.8622dupA).
Protein change: p.Glu2875fs; shifts the reading frame from glutamic acid 2875.
Molecular consequence: frameshift variant.
Genome position (GRCh38, 1-based): chr13:32,371,090, A duplicated; the last of 2 consecutive A bases (chr13:32,371,089-32,371,090); duplicating either gives the same sequence. VCF-style (leftmost placement, unchanged base first): chr13-32371088-G-GA. GRCh37 (hg19) VCF-style: chr13-32945225-G-GA.
Other names: short protein forms E2875fs.
Identifiers: ClinVar variation 1409832 (VCV001409832.6), dbSNP rs2137601092, ClinGen allele CA2573149216.
Genomic context (GRCh38, chr13:32,371,088, plus strand): 5'-TATGTGGAGGCCCAACAAAAGAGACTAGAAGCCTTATTCACTAAAATTCAGGAGGAATTT[G>GA]AAGAACATGAAGGTAAAATTAGTTATATGGTACACATTGTTATTTCTAATATGAGAACAA-3'

ClinVar aggregate classification (germline): Pathogenic (1 of 4 stars; one submission).

Conditions:
Hereditary breast ovarian cancer syndrome. Also called: Hereditary breast and ovarian cancer syndrome (HBOC); Breast and ovarian cancer; Hereditary breast and ovarian cancer syndrome; Hereditary breast and/or ovarian cancer syndrome; Hereditary breast and ovarian cancer; BRCA1- and BRCA2-Associated Hereditary Breast and Ovarian Cancer. Identifiers: Orphanet 145, MedGen C0677776, MeSH D061325, MONDO:0003582. Disease mechanism: loss of function.

Submission:

Labcorp Genetics (formerly Invitae), Labcorp
Classification: Pathogenic for Hereditary breast ovarian cancer syndrome. Last evaluated: 2021-08-09. Review status: criteria provided, single submitter. Criteria: Invitae Variant Classification Sherloc (09022015). Collection method: clinical testing. Allele origin: germline.
Comment: This sequence change creates a premature translational stop signal (p.Glu2875Argfs*3) in the BRCA2 gene. It is expected to result in an absent or disrupted protein product. Loss-of-function variants in BRCA2 are known to be pathogenic (PMID: 20104584). This variant is not present in population databases (ExAC no frequency). This variant has not been reported in the literature in individuals affected with BRCA2-related conditions. For these reasons, this variant has been classified as Pathogenic.

Literature cited by the submitters: PubMed 20104584.